The following is an entry in ClinVar:

NM_002661.5(PLCG2):c.1354A>T (p.Ile452Phe)

Gene: PLCG2 (phospholipase C gamma 2; plus strand). Cytogenetic location: 16q23.3.
Variant type: single nucleotide variant.
Coding change: c.1354A>T on transcript NM_002661.5 (MANE Select); coding-DNA position 1354, A replaced by T.
Protein change: p.Ile452Phe; replaces isoleucine 452 with phenylalanine.
Molecular consequence: missense variant.
Genome position (GRCh38, 1-based): chr16:81,900,772, A>T. VCF-style: chr16-81900772-A-T. GRCh37 (hg19) VCF-style: chr16-81934377-A-T.
Other names: c.1354A>T, p.Ile452Phe (NM_001425749.1, NM_001425750.1, NM_001425751.1); short protein forms I452F.
Identifiers: ClinVar variation 3649768 (VCV003649768.2).

ClinVar aggregate classification (germline): Uncertain significance (1 of 4 stars; one submission).

Conditions:
Familial cold autoinflammatory syndrome 3 (FCAS3). Also called: ANTIBODY DEFICIENCY AND IMMUNE DYSREGULATION, PLCG2-ASSOCIATED; FAMILIAL ATYPICAL COLD URTICARIA. Identifiers: Orphanet 300359, MedGen C3280914, MONDO:0013766, OMIM 614468.

Submission:

Labcorp Genetics (formerly Invitae), Labcorp
Classification: Uncertain significance for Familial cold autoinflammatory syndrome 3. Last evaluated: 2024-04-13. Review status: criteria provided, single submitter. Criteria: Invitae Variant Classification Sherloc (09022015). Collection method: clinical testing. Allele origin: germline.
Comment: This sequence change replaces isoleucine, which is neutral and non-polar, with phenylalanine, which is neutral and non-polar, at codon 452 of the PLCG2 protein (p.Ile452Phe). This variant is not present in population databases (gnomAD no frequency). This variant has not been reported in the literature in individuals affected with PLCG2-related conditions. An algorithm developed to predict the effect of missense changes on protein structure and function (PolyPhen-2) suggests that this variant is likely to be disruptive. In summary, the available evidence is currently insufficient to determine the role of this variant in disease. Therefore, it has been classified as a Variant of Uncertain Significance.